The following is an entry in ClinVar:

NM_002180.3(IGHMBP2):c.1108G>A (p.Asp370Asn)

Gene: IGHMBP2 (immunoglobulin mu DNA binding protein 2; plus strand). Cytogenetic location: 11q13.3.
Variant type: single nucleotide variant.
Coding change: c.1108G>A on transcript NM_002180.3 (MANE Select); coding-DNA position 1108, G replaced by A.
Protein change: p.Asp370Asn; replaces aspartic acid 370 with asparagine.
Molecular consequence: missense variant.
Genome position (GRCh38, 1-based): chr11:68,929,230, G>A. VCF-style: chr11-68929230-G-A. GRCh37 (hg19) VCF-style: chr11-68696698-G-A.
Other names: short protein forms D370N.
Identifiers: ClinVar variation 245628 (VCV000245628.10), dbSNP rs200007067, ClinGen allele CA6153522.

ClinVar aggregate classification (germline): Uncertain significance. Review status: criteria provided, multiple submitters, no conflicts (2 of 4 stars). 3 submissions from 3 submitters: Uncertain significance (3). Last evaluated 2025-02-18.

Conditions:
Autosomal recessive distal spinal muscular atrophy 1. Also called: HMN VI; NEURONOPATHY, SEVERE INFANTILE AXONAL, WITH RESPIRATORY FAILURE; NEURONOPATHY, DISTAL HEREDITARY MOTOR, HARDING TYPE VI; NEUROPATHY, DISTAL HEREDITARY MOTOR, AUTOSOMAL RECESSIVE 1; SEVERE INFANTILE AXONAL NEUROPATHY WITH RESPIRATORY FAILURE; SPINAL MUSCULAR ATROPHY, DIAPHRAGMATIC. Identifiers: Orphanet 98920, MedGen C1858517, MONDO:0011436, OMIM 604320.
Charcot-Marie-Tooth disease axonal type 2S. Also called: CHARCOT-MARIE-TOOTH DISEASE, AXONAL, AUTOSOMAL RECESSIVE, TYPE 2S; CHARCOT-MARIE-TOOTH NEUROPATHY, TYPE 2S. Identifiers: Orphanet 443073, MedGen C4015349, MONDO:0014511, OMIM 616155.
Inborn genetic diseases. Identifiers: MedGen C0950123, MeSH D030342.

Allele frequency attached by ClinVar (database versions not stated): gnomAD 0.00007; TOPMed 0.00007; gnomAD exomes 0.00010 and 0.00019; 1000 Genomes Project 30x 0.00016; 1000 Genomes Project 0.00020; ExAC 0.00030.
gnomAD v4.1: 163 of 1,613,764 alleles (0.01%); highest among the groups gnomAD compares: Non-Finnish European, 0.011%; no homozygotes.

Submissions (3):

GeneDx
Classification: Uncertain significance. Last evaluated: 2025-02-18. Review status: criteria provided, single submitter. Criteria: GeneDx Variant Classification Process June 2021. Collection method: clinical testing. Allele origin: germline. Affected: yes.
Comment: In silico analysis supports that this missense variant has a deleterious effect on protein structure/function; Has not been previously published as pathogenic or benign to our knowledge; This variant is associated with the following publications: (PMID: 22965130, 24388491, 25439726)

Ambry Genetics
Classification: Uncertain significance for Inborn genetic diseases. Last evaluated: 2022-12-15. Review status: criteria provided, single submitter. Criteria: Ambry Variant Classification Scheme 2023. Collection method: clinical testing. Allele origin: germline.

Labcorp Genetics (formerly Invitae), Labcorp
Classification: Uncertain significance for Autosomal recessive distal spinal muscular atrophy 1; Charcot-Marie-Tooth disease axonal type 2S. Last evaluated: 2022-02-08. Review status: criteria provided, single submitter. Criteria: Invitae Variant Classification Sherloc (09022015). Collection method: clinical testing. Allele origin: germline.
Comment: This sequence change replaces aspartic acid, which is acidic and polar, with asparagine, which is neutral and polar, at codon 370 of the IGHMBP2 protein (p.Asp370Asn). This variant is present in population databases (rs200007067, gnomAD 0.03%). This variant has not been reported in the literature in individuals affected with IGHMBP2-related conditions. ClinVar contains an entry for this variant (Variation ID: 245628). Advanced modeling of protein sequence and biophysical properties (such as structural, functional, and spatial information, amino acid conservation, physicochemical variation, residue mobility, and thermodynamic stability) performed at Invitae indicates that this missense variant is expected to disrupt IGHMBP2 protein function. In summary, the available evidence is currently insufficient to determine the role of this variant in disease. Therefore, it has been classified as a Variant of Uncertain Significance.